The following is an entry in ClinVar:

ClinVar aggregate classification (germline): Benign/Likely benign. Review status: criteria provided, multiple submitters, no conflicts (2 of 4 stars). 9 submissions from 9 submitters: Benign (3); Likely benign (6). Last evaluated 2026-01-19.

Conditions:
Capillary malformation-arteriovenous malformation syndrome. Also called: Capillary malformation-arteriovenous malformation. Identifiers: Orphanet 137667, MedGen C1842180, MONDO:0012016.
Cardiovascular phenotype. Identifiers: MedGen CN230736.
Capillary malformation-arteriovenous malformation 1 (CMAVM1). Identifiers: Orphanet 137667, Orphanet 693907, MedGen C4747394, MONDO:0020783, OMIM 608354.
Basal cell carcinoma, susceptibility to, 1. Also called: BCC1. Identifiers: MedGen C2751544, MONDO:0011556, OMIM 605462.

Allele frequency attached by ClinVar (database versions not stated): gnomAD 0.00061; TOPMed 0.00091; ESP Exome Variant Server 0.00100.
gnomAD v4.1: 1,650 of 1,613,968 alleles (0.1%); highest among the groups gnomAD compares: Non-Finnish European, 0.13%; 4 homozygotes.

Submissions (9):

Labcorp Genetics (formerly Invitae), Labcorp
Classification: Benign for Capillary malformation-arteriovenous malformation syndrome. Last evaluated: 2026-01-19. Review status: criteria provided, single submitter. Criteria: Invitae Variant Classification Sherloc (09022015). Collection method: clinical testing. Allele origin: germline.

ARUP Laboratories, Molecular Genetics and Genomics, ARUP Laboratories
Classification: Benign. Last evaluated: 2025-03-31. Review status: criteria provided, single submitter. Criteria: ARUP Molecular Germline Variant Investigation Process 2024. Collection method: clinical testing. Allele origin: germline.

Blueprint Genetics
Classification: Likely benign. Last evaluated: 2024-11-12. Review status: criteria provided, single submitter. Criteria: ACMG Guidelines, 2015. Collection method: clinical testing. Allele origin: germline.

CeGaT Center for Human Genetics Tuebingen
Classification: Likely benign. Last evaluated: 2023-12-01. Review status: criteria provided, single submitter. Criteria: CeGaT Center For Human Genetics Tuebingen Variant Classification Criteria Version 2. Collection method: clinical testing. Allele origin: germline. Affected: yes. Observed: 1 variant allele.
Comment: RASA1: BP4, BP7, BS1

Mayo Clinic Laboratories, Mayo Clinic
Classification: Likely benign. Last evaluated: 2023-08-24. Review status: criteria provided, single submitter. Criteria: ACMG Guidelines, 2015. Collection method: clinical testing. Allele origin: germline. Observed: 4 variant alleles.
Comment: BS1, BP4, BP7

Fulgent Genetics
Classification: Likely benign for Basal cell carcinoma, susceptibility to, 1; Capillary malformation-arteriovenous malformation 1. Last evaluated: 2021-10-25. Review status: criteria provided, single submitter. Criteria: ACMG Guidelines, 2015. Collection method: clinical testing. Allele origin: unknown.

GeneDx
Classification: Likely benign. Last evaluated: 2020-12-28. Review status: criteria provided, single submitter. Criteria: GeneDx Variant Classification Process June 2021. Collection method: clinical testing. Allele origin: germline. Affected: yes.

Illumina Laboratory Services, Illumina
Classification: Benign for Capillary malformation-arteriovenous malformation 1. Last evaluated: 2018-01-13. Review status: criteria provided, single submitter. Criteria: ICSL Variant Classification Criteria 13 December 2019. Collection method: clinical testing. Allele origin: germline.
Comment: This variant was observed in the ICSL laboratory as part of a predisposition screen in an ostensibly healthy population. It had not been previously curated by ICSL or reported in the Human Gene Mutation Database (HGMD: prior to June 1st, 2018), and was therefore a candidate for classification through an automated scoring system. Utilizing variant allele frequency, disease prevalence and penetrance estimates, and inheritance mode, an automated score was calculated to assess if this variant is too frequent to cause the disease. Based on the score and internal cut-off values, a variant classified as benign is not then subjected to further curation. The score for this variant resulted in a classification of benign for this disease.

Ambry Genetics
Classification: Likely benign for Cardiovascular phenotype. Last evaluated: 2015-07-10. Review status: criteria provided, single submitter. Criteria: Ambry Variant Classification Scheme 2023. Collection method: clinical testing. Allele origin: germline.

NM_002890.3(RASA1):c.360C>A (p.Pro120=)

Gene: RASA1 (RAS p21 protein activator 1; plus strand). Cytogenetic location: 5q14.3.
Variant type: single nucleotide variant.
Coding change: c.360C>A on transcript NM_002890.3 (MANE Select); coding-DNA position 360, C replaced by A.
Protein change: p.Pro120=; no amino-acid change (proline 120 retained).
Molecular consequence: synonymous variant.
Genome position (GRCh38, 1-based): chr5:87,268,811, C>A. VCF-style: chr5-87268811-C-A. GRCh37 (hg19) VCF-style: chr5-86564628-C-A.
Other names: p.Pro120=.
Identifiers: ClinVar variation 354509 (VCV000354509.45), dbSNP rs137878395, ClinGen allele CA3335411.